The following is an entry in ClinVar:

ClinVar aggregate classification (germline): Likely pathogenic (1 of 4 stars; one submission).

Conditions:
Landau-Kleffner syndrome (FESD). Also called: EPILEPSY, FOCAL, WITH SPEECH DISORDER AND WITH OR WITHOUT MENTAL RETARDATION; APHASIA, ACQUIRED, WITH EPILEPSY. Identifiers: Orphanet 1945, Orphanet 725, Orphanet 98818, MedGen C0282512, MONDO:0009509, OMIM 245570.

Submission:

Labcorp Genetics (formerly Invitae), Labcorp
Classification: Likely pathogenic for Landau-Kleffner syndrome. Last evaluated: 2022-02-08. Review status: criteria provided, single submitter. Criteria: Invitae Variant Classification Sherloc (09022015). Collection method: clinical testing. Allele origin: germline.
Comment: In summary, the currently available evidence indicates that the variant is pathogenic, but additional data are needed to prove that conclusively. Therefore, this variant has been classified as Likely Pathogenic. Algorithms developed to predict the effect of sequence changes on RNA splicing suggest that this variant may disrupt the consensus splice site. This variant has not been reported in the literature in individuals affected with GRIN2A-related conditions. This variant is not present in population databases (gnomAD no frequency). This sequence change affects an acceptor splice site in intron 8 of the GRIN2A gene. It is expected to disrupt RNA splicing. Variants that disrupt the donor or acceptor splice site typically lead to a loss of protein function (PMID: 16199547), and loss-of-function variants in GRIN2A are known to be pathogenic (PMID: 23933819, 23933820).

Literature cited by the submitters: PubMed 16199547; PubMed 23933819; PubMed 23933820.

NM_001134407.3(GRIN2A):c.1652-2A>G

Gene: GRIN2A (glutamate ionotropic receptor NMDA type subunit 2A; minus strand). Cytogenetic location: 16p13.2.
Variant type: single nucleotide variant.
Coding change: c.1652-2A>G on transcript NM_001134407.3 (MANE Select); the canonical splice acceptor site of the intron before coding-DNA position 1652, A replaced by G.
Molecular consequence: splice acceptor variant.
Genome position (GRCh38, 1-based): chr16:9,834,232, T>C on the plus strand (A>G on the coding strand, the complement: GRIN2A is on the minus strand). VCF-style: chr16-9834232-T-C. GRCh37 (hg19) VCF-style: chr16-9928089-T-C.
Other names: c.1652-2A>G (NM_000833.5, NM_001134408.2).
Identifiers: ClinVar variation 1487124 (VCV001487124.8), dbSNP rs2141325752, ClinGen allele CA394800161.